The following is an entry in ClinVar:

ClinVar aggregate classification (germline): Benign/Likely benign. Review status: criteria provided, multiple submitters, no conflicts (2 of 4 stars). 6 submissions from 6 submitters: Benign (1); Likely benign (4). 1 of the submissions does not count toward it. Last evaluated 2026-01-25.

Conditions:
RET-related disorder. Also called: RET-related condition; RET-related disease; RET-related disorders.
Hereditary cancer-predisposing syndrome. Also called: Tumor predisposition; Neoplastic Syndromes, Hereditary; Hereditary Cancer Syndrome; Hereditary neoplastic syndrome. Identifiers: Orphanet 140162, MedGen C0027672, MeSH D009386, MONDO:0015356.
Multiple endocrine neoplasia, type 2 (MEN2). Identifiers: Orphanet 653, MedGen C4048306, MONDO:0019003. Disease mechanism: gain of function.
Multiple endocrine neoplasia type 2B. Also called: MEN IIB; NEUROMATA, MUCOSAL, WITH ENDOCRINE TUMORS; MUCOSAL NEUROMA SYNDROME; MEN 2B; WAGENMANN-FROBOESE SYNDROME; MULTIPLE ENDOCRINE NEOPLASIA, TYPE III. Identifiers: Orphanet 247709, Orphanet 653, MedGen C0025269, MeSH D018814, MONDO:0008082, OMIM 162300.
Multiple endocrine neoplasia type 2A. Also called: MULTIPLE ENDOCRINE NEOPLASIA, TYPE IIA; PTC SYNDROME; SIPPLE SYNDROME; MEN 2A; MEN-2A syndrome; Pheochromocytoma and amyloid producing medullary thyroid carcinoma. Identifiers: Orphanet 247698, Orphanet 653, MedGen C0025268, MeSH D018813, MONDO:0008234, OMIM 171400.

Allele frequency attached by ClinVar (database versions not stated): gnomAD below 0.00001 and 0.00004; gnomAD exomes 0.00006 and 0.00017; ExAC 0.00022; 1000 Genomes Project 30x 0.00047; 1000 Genomes Project 0.00060.
gnomAD v4.1: 98 of 1,613,458 alleles (0.0061%); highest among the groups gnomAD compares: South Asian, 0.098%; no homozygotes.

Submissions (6):

Labcorp Genetics (formerly Invitae), Labcorp
Classification: Likely benign for Multiple endocrine neoplasia, type 2. Last evaluated: 2026-01-25. Review status: criteria provided, single submitter. Criteria: Invitae Variant Classification Sherloc (09022015). Collection method: clinical testing. Allele origin: germline.

Myriad Genetics, Inc.
Classification: Likely benign for Multiple endocrine neoplasia type 2A. Last evaluated: 2024-08-13. Review status: criteria provided, single submitter. Criteria: Myriad Autosomal Dominant, Autosomal Recessive and X-Linked Classification Criteria (2023). Collection method: clinical testing. Allele origin: unknown.
Comment: This variant is considered likely benign. This variant has been observed at a population frequency that is significantly greater than expected given the associated disease prevalence and penetrance.

KCCC/NGS Laboratory, Kuwait Cancer Control Center
Classification: Likely benign for Multiple endocrine neoplasia type 2B. Last evaluated: 2023-07-07. Review status: criteria provided, single submitter. Criteria: ACMG Guidelines, 2015. Collection method: clinical testing. Allele origin: germline. Affected: yes.

Color Diagnostics, LLC DBA Color Health
Classification: Likely benign for Multiple endocrine neoplasia, type 2. Last evaluated: 2023-05-31. Review status: criteria provided, single submitter. Criteria: ACMG Guidelines, 2015. Collection method: clinical testing. Allele origin: germline.

Ambry Genetics
Classification: Benign for Hereditary cancer-predisposing syndrome. Last evaluated: 2021-09-01. Review status: criteria provided, single submitter. Criteria: Ambry Variant Classification Scheme 2023. Collection method: clinical testing. Allele origin: germline.

PreventionGenetics, part of Exact Sciences
Classification: Likely benign for RET-related condition. Last evaluated: 2024-05-16. Review status: no assertion criteria provided. Collection method: clinical testing. Allele origin: germline. Not counted in ClinVar's aggregate classification.
Comment: This variant is classified as likely benign based on ACMG/AMP sequence variant interpretation guidelines (Richards et al. 2015 PMID: 25741868, with internal and published modifications).

NM_020975.6(RET):c.2554A>G (p.Ile852Val)

Gene: RET (ret proto-oncogene; plus strand). Cytogenetic location: 10q11.21.
Variant type: single nucleotide variant.
Coding change: c.2554A>G on transcript NM_020975.6 (MANE Select); coding-DNA position 2554, A replaced by G.
Protein change: p.Ile852Val; replaces isoleucine 852 with valine.
Molecular consequence: missense variant.
Genome position (GRCh38, 1-based): chr10:43,119,692, A>G. VCF-style: chr10-43119692-A-G. GRCh37 (hg19) VCF-style: chr10-43615140-A-G.
Other names: c.2554A>G, p.Ile852Val (NM_000323.2, NM_001406743.1, NM_001406744.1 and 4 more transcripts); c.1792A>G, p.Ile598Val (NM_001355216.2); c.2425A>G, p.Ile809Val (NM_001406761.1, NM_001406762.1, NM_001406764.1); c.2419A>G, p.Ile807Val (NM_001406763.1, NM_001406765.1); c.2266A>G, p.Ile756Val (NM_001406766.1, NM_001406767.1, NM_001406770.1); c.2290A>G, p.Ile764Val (NM_001406768.1); c.2158A>G, p.Ile720Val (NM_001406769.1, NM_001406772.1); c.2116A>G, p.Ile706Val (NM_001406771.1, NM_001406773.1); and 10 more; short protein forms I852V, I598V, I510V, I809V, I417V, I457V, I508V, I513V.
Identifiers: ClinVar variation 241349 (VCV000241349.20), dbSNP rs561276725, ClinGen allele CA039781.
Genomic context (GRCh38, chr10:43,119,692, plus strand): 5'-AGCCGCAACTCCAGCTCCCTGGACCACCCGGATGAGCGGGCCCTCACCATGGGCGACCTC[A>G]TCTCATTTGCCTGGCAGATCTCACAGGGGATGCAGTATCTGGCCGAGATGAAGGTGCGTG-3'
Protein context (NP_066124.1, residues 842-862): DERALTMGDL[Ile852Val]SFAWQISQGM